The following is an entry in ClinVar:

ClinVar aggregate classification (germline): Uncertain significance. Review status: criteria provided, multiple submitters, no conflicts (2 of 4 stars). 2 submissions from 2 submitters: Uncertain significance (2). Last evaluated 2026-01-13.

Conditions:
Gastrointestinal stromal tumor. Also called: Gastrointestinal stromal tumor, somatic; Gastrointestinal stroma tumor. Identifiers: Orphanet 44890, MedGen C0238198, MeSH D046152, MONDO:0011719, OMIM 606764, HP:0100723.
Hereditary cancer-predisposing syndrome. Also called: Hereditary Cancer Syndrome; Tumor predisposition; Neoplastic Syndromes, Hereditary; Hereditary neoplastic syndrome. Identifiers: Orphanet 140162, MedGen C0027672, MeSH D009386, MONDO:0015356.

Allele frequency attached by ClinVar (database versions not stated): gnomAD exomes below 0.00001; TOPMed below 0.00001.
gnomAD v4.1: 4 of 1,614,086 alleles (0.00025%); highest among the groups gnomAD compares: East Asian, 0.0022%; no homozygotes.

Submissions (2):

Labcorp Genetics (formerly Invitae), Labcorp
Classification: Uncertain significance for Gastrointestinal stromal tumor. Last evaluated: 2026-01-13. Review status: criteria provided, single submitter. Criteria: Invitae Variant Classification Sherloc (09022015). Collection method: clinical testing. Allele origin: germline.
Comment: This sequence change replaces arginine, which is basic and polar, with histidine, which is basic and polar, at codon 135 of the KIT protein (p.Arg135His). This variant is not present in population databases (gnomAD no frequency). This missense change has been observed in individual(s) with melanoma (PMID: 23020152). ClinVar contains an entry for this variant (Variation ID: 639174). An algorithm developed to predict the effect of missense changes on protein structure and function (PolyPhen-2) suggests that this variant is likely to be tolerated. Experimental studies have shown that this missense change does not substantially affect KIT function (PMID: 23020152). In summary, the available evidence is currently insufficient to determine the role of this variant in disease. Therefore, it has been classified as a Variant of Uncertain Significance.

Ambry Genetics
Classification: Uncertain significance for Hereditary cancer-predisposing syndrome. Last evaluated: 2025-07-15. Review status: criteria provided, single submitter. Criteria: Ambry Variant Classification Scheme 2023. Collection method: clinical testing. Allele origin: germline.
Comment: The p.R135H variant (also known as c.404G>A), located in coding exon 3 of the KIT gene, results from a G to A substitution at nucleotide position 404. The arginine at codon 135 is replaced by histidine, an amino acid with highly similar properties. This amino acid position is not well conserved in available vertebrate species. In addition, this alteration is predicted to be tolerated by in silico analysis. Based on the available evidence, the clinical significance of this variant remains unclear.

Literature cited by the submitters: PubMed 23020152 (cited by Labcorp Genetics (formerly Invitae), Labcorp).

NM_000222.3(KIT):c.404G>A (p.Arg135His)

Gene: KIT (KIT proto-oncogene, receptor tyrosine kinase; plus strand). Cytogenetic location: 4q12.
Variant type: single nucleotide variant.
Coding change: c.404G>A on transcript NM_000222.3 (MANE Select); coding-DNA position 404, G replaced by A.
Protein change: p.Arg135His; replaces arginine 135 with histidine.
Molecular consequence: missense variant.
Genome position (GRCh38, 1-based): chr4:54,698,350, G>A. VCF-style: chr4-54698350-G-A. GRCh37 (hg19) VCF-style: chr4-55564516-G-A.
Other names: c.404G>A, p.Arg135His (NM_001093772.2, NM_001385284.1, NM_001385285.1 and 4 more transcripts); short protein forms R135H.
Identifiers: ClinVar variation 639174 (VCV000639174.10), dbSNP rs1174814949, ClinGen allele CA356897512.